The following is an entry in ClinVar:

NM_000051.4(ATM):c.1176C>G (p.Gly392=)

Gene: ATM (ATM serine/threonine kinase; plus strand). Cytogenetic location: 11q22.3.
Variant type: single nucleotide variant.
Coding change: c.1176C>G on transcript NM_000051.4 (MANE Select); coding-DNA position 1176, C replaced by G.
Protein change: p.Gly392=; no amino-acid change (glycine 392 retained).
Molecular consequence: synonymous variant.
Genome position (GRCh38, 1-based): chr11:108,249,043, C>G. VCF-style: chr11-108249043-C-G. GRCh37 (hg19) VCF-style: chr11-108119770-C-G.
Other names: NM_000051.3(ATM):c.1176C>G; p.Gly392=; NP_000042.3:p.Gly392=; c.1176C>G, p.Gly392= (NM_001351834.2).
Identifiers: ClinVar variation 142140 (VCV000142140.49), dbSNP rs1800727, ClinGen allele CA167509.
Genomic context (GRCh38, chr11:108,249,043, plus strand): 5'-TACACAAAGAGAATCTAGTGATTACAGTGTCCCTTGCAAAAGGAAGAAAATAGAACTAGG[C>G]TGGGAAGTAATAAAAGATCACCTTCAGAAGTCACAGAATGATTTTGATCTTGTGCCTTGG-3'
Protein context (NP_000042.3, residues 382-402): VPCKRKKIEL[Gly392=]WEVIKDHLQK

ClinVar aggregate classification (germline): Benign. Review status: reviewed by expert panel (3 of 4 stars). 25 submissions from 25 submitters: Benign (1). 24 of the submissions do not count toward it. Last evaluated 2022-03-09.

Conditions:
Bile duct cancer. Identifiers: MedGen CN296287, MONDO:0003059.
ATM-related cancer predisposition. Also called: ATM-related cancer susceptibility. Identifiers: MedGen CN377759, MONDO:0700270.
Breast and/or ovarian cancer. Identifiers: MedGen CN221562.
Hereditary cancer-predisposing syndrome. Also called: Neoplastic Syndromes, Hereditary; Tumor predisposition; Hereditary Cancer Syndrome; Hereditary neoplastic syndrome. Identifiers: Orphanet 140162, MedGen C0027672, MeSH D009386, MONDO:0015356.
Hereditary breast ovarian cancer syndrome. Also called: Breast and ovarian cancer; Hereditary breast and ovarian cancer syndrome; Hereditary breast and/or ovarian cancer syndrome; Hereditary breast and ovarian cancer syndrome (HBOC); Hereditary breast and ovarian cancer; BRCA1- and BRCA2-Associated Hereditary Breast and Ovarian Cancer. Identifiers: Orphanet 145, MedGen C0677776, MeSH D061325, MONDO:0003582. Disease mechanism: loss of function.
Familial cancer of breast. Also called: hereditary breast carcinoma; BREAST CANCER, FAMILIAL; Hereditary breast cancer. Identifiers: Orphanet 227535, MedGen C0346153, MONDO:0016419, OMIM 114480. Disease mechanism: loss of function.
Ataxia-telangiectasia syndrome (AT). Also called: LOUIS-BAR SYNDROME; Ataxia-telangiectasia, complementation group D; Cerebello-oculocutaneous telangiectasia; Immunodeficiency with ataxia telangiectasia; ATAXIA-TELANGIECTASIA, COMPLEMENTATION GROUP A; ATAXIA-TELANGIECTASIA, FRESNO VARIANT. Identifiers: Orphanet 100, MedGen C0004135, MONDO:0008840, OMIM 208900.

Allele frequency attached by ClinVar (database versions not stated): gnomAD exomes 0.00388; ExAC 0.00452; TOPMed 0.01581; ESP Exome Variant Server 0.01700; 1000 Genomes Project 0.01897; 1000 Genomes Project 30x 0.01999.
gnomAD v4.1: 4,333 of 1,613,932 alleles (0.27%); highest among the groups gnomAD compares: African/African-American, 4.9%; 95 homozygotes.

Submissions 1 to 21 of 27:

ClinGen Hereditary Breast, Ovarian and Pancreatic Cancer Variant Curation Expert Panel, ClinGen
Classification: Benign for ATM-related cancer predisposition. Last evaluated: 2022-03-09. Review status: reviewed by expert panel. Criteria: clingen hbop acmg specifications atm v1-1. Collection method: curation. Allele origin: germline. Inheritance: Autosomal dominant inheritance.
Comment: The ATM c.1176C>G (p.Gly392=) variant has a GnomAD (v2.1.1) filtering allele frequency of 4.878% (AFR) which is above the ATM BA1 threshold of .5% (BA1). This variant has been observed in a homozygous and compound heterozygous state (presumed) in multiple individuals without Ataxia-Telangiectasia (BP2_Strong, GTR Lab IDs: 500031, 61756). This is a synonymous variant (BP7) and in silico predictors find that this variant is unlikely to affect splicing (Splice AI/MaxENTScan 0%) (BP4). In summary, this variant meets criteria to be classified as benign based on the ACMG/AMP criteria applied as specified by the HBOP Variant Curation Expert Panel.

Labcorp Genetics (formerly Invitae), Labcorp
Classification: Benign for Ataxia-telangiectasia syndrome. Last evaluated: 2026-02-04. Review status: criteria provided, single submitter. Criteria: Invitae Variant Classification Sherloc (09022015). Collection method: clinical testing. Allele origin: germline. Not counted in ClinVar's aggregate classification.

Athena Diagnostics
Classification: Benign. Last evaluated: 2025-10-28. Review status: criteria provided, single submitter. Criteria: Athena Diagnostics Criteria. Collection method: clinical testing. Allele origin: unknown. Not counted in ClinVar's aggregate classification.
Comment: The frequency of this variant in the general population is higher than would generally be expected for pathogenic variants in this gene.

Center for Genomic Medicine, Rigshospitalet, Copenhagen University Hospital
Classification: Benign. Last evaluated: 2025-03-04. Review status: criteria provided, single submitter. Criteria: ACMG Guidelines, 2015. Collection method: clinical testing. Allele origin: germline. Not counted in ClinVar's aggregate classification.

ARUP Laboratories, Molecular Genetics and Genomics, ARUP Laboratories
Classification: Benign. Last evaluated: 2024-12-20. Review status: criteria provided, single submitter. Criteria: ARUP Molecular Germline Variant Investigation Process 2024. Collection method: clinical testing. Allele origin: germline. Not counted in ClinVar's aggregate classification.

Myriad Genetics, Inc.
Classification: Benign for Familial cancer of breast. Last evaluated: 2024-04-25. Review status: criteria provided, single submitter. Criteria: Myriad Autosomal Dominant, Autosomal Recessive and X-Linked Classification Criteria (2023). Collection method: clinical testing. Allele origin: unknown. Not counted in ClinVar's aggregate classification.
Comment: This variant is considered benign. This variant is a silent/synonymous amino acid change and it is not expected to impact splicing.

KCCC/NGS Laboratory, Kuwait Cancer Control Center
Classification: Benign for Familial cancer of breast. Last evaluated: 2023-07-07. Review status: criteria provided, single submitter. Criteria: ACMG Guidelines, 2015. Collection method: clinical testing. Allele origin: germline. Affected: yes. Not counted in ClinVar's aggregate classification.

National Health Laboratory Service, Universitas Academic Hospital and University of the Free State
Classification: Benign for Hereditary breast ovarian cancer syndrome. Last evaluated: 2022-04-19. Review status: criteria provided, single submitter. Criteria: ACMG Guidelines, 2015. Collection method: clinical testing. Allele origin: germline. Affected: yes. Observed: 40 variant alleles. Not counted in ClinVar's aggregate classification.

Mayo Clinic Laboratories, Mayo Clinic
Classification: Benign. Last evaluated: 2022-01-05. Review status: criteria provided, single submitter. Criteria: ACMG Guidelines, 2015. Collection method: clinical testing. Allele origin: germline. Observed: 21 variant alleles. Not counted in ClinVar's aggregate classification.
Comment: BS1, BS2, BP4, BP7

CHEO Genetics Diagnostic Laboratory, Children's Hospital of Eastern Ontario
Classification: Benign for Breast and/or ovarian cancer. Last evaluated: 2021-07-12. Review status: criteria provided, single submitter. Criteria: ACMG Guidelines, 2015. Collection method: clinical testing. Allele origin: germline. Not counted in ClinVar's aggregate classification.

Illumina Laboratory Services, Illumina
Classification: Benign for Ataxia-telangiectasia syndrome. Last evaluated: 2018-01-12. Review status: criteria provided, single submitter. Criteria: ICSL Variant Classification Criteria 13 December 2019. Collection method: clinical testing. Allele origin: germline. Not counted in ClinVar's aggregate classification.
Comment: This variant was observed in the ICSL laboratory as part of a predisposition screen in an ostensibly healthy population. It had not been previously curated by ICSL or reported in the Human Gene Mutation Database (HGMD: prior to June 1st, 2018), and was therefore a candidate for classification through an automated scoring system. Utilizing variant allele frequency, disease prevalence and penetrance estimates, and inheritance mode, an automated score was calculated to assess if this variant is too frequent to cause the disease. Based on the score and internal cut-off values, a variant classified as benign is not then subjected to further curation. The score for this variant resulted in a classification of benign for this disease.

Color Diagnostics, LLC DBA Color Health
Classification: Benign for Hereditary cancer-predisposing syndrome. Last evaluated: 2015-04-02. Review status: criteria provided, single submitter. Criteria: ACMG Guidelines, 2015. Collection method: clinical testing. Allele origin: germline. Not counted in ClinVar's aggregate classification.

GeneDx
Classification: Benign. Last evaluated: 2015-03-03. Review status: criteria provided, single submitter. Criteria: GeneDx Variant Classification Process June 2021. Collection method: clinical testing. Allele origin: germline. Affected: yes. Not counted in ClinVar's aggregate classification.
Comment: This variant is associated with the following publications: (PMID: 17333338)

Ambry Genetics
Classification: Benign for Hereditary cancer-predisposing syndrome. Last evaluated: 2014-11-25. Review status: criteria provided, single submitter. Criteria: Ambry Variant Classification Scheme 2023. Collection method: clinical testing. Allele origin: germline. Not counted in ClinVar's aggregate classification.

Breakthrough Genomics
Classification: Benign. Review status: criteria provided, single submitter. Criteria: ACMG Guidelines, 2015. Collection method: not provided. Allele origin: germline. Inheritance: Autosomal recessive inheritance. Affected: yes. Not counted in ClinVar's aggregate classification.

PreventionGenetics, part of Exact Sciences
Classification: Benign. Review status: criteria provided, single submitter. Criteria: ACMG Guidelines, 2015. Collection method: clinical testing. Allele origin: germline. Not counted in ClinVar's aggregate classification.

Natera, Inc.
Classification: Benign for Ataxia-telangiectasia. Last evaluated: 2020-09-16. Review status: no assertion criteria provided. Collection method: clinical testing. Allele origin: germline. Not counted in ClinVar's aggregate classification.

True Health Diagnostics
Classification: Likely benign for Hereditary cancer-predisposing syndrome. Last evaluated: 2018-02-23. Review status: no assertion criteria provided. Collection method: clinical testing. Allele origin: germline. Not counted in ClinVar's aggregate classification.

Counsyl
Classification: Benign for Ataxia-telangiectasia syndrome. Last evaluated: 2018-01-19. Review status: no assertion criteria provided. Collection method: clinical testing. Allele origin: unknown. Not counted in ClinVar's aggregate classification.

Clinical Genetics Laboratory, Department of Pathology, Netherlands Cancer Institute
Classification: Benign. Review status: no assertion criteria provided. Collection method: clinical testing. Allele origin: germline. Affected: yes. Study: VKGL Data-share Consensus. Not counted in ClinVar's aggregate classification.

Clinical Genetics, Academic Medical Center
Classification: Benign. Review status: no assertion criteria provided. Collection method: clinical testing. Allele origin: germline. Affected: yes. Study: VKGL Data-share Consensus. Not counted in ClinVar's aggregate classification.